The following is an entry in ClinVar:

NM_001365951.3(KIF1B):c.3148G>C (p.Ala1050Pro)

Gene: KIF1B (kinesin family member 1B; plus strand). Cytogenetic location: 1p36.22.
Variant type: single nucleotide variant.
Coding change: c.3148G>C on transcript NM_001365951.3 (MANE Select); coding-DNA position 3148, G replaced by C.
Protein change: p.Ala1050Pro; replaces alanine 1050 with proline.
Molecular consequence: missense variant.
Genome position (GRCh38, 1-based): chr1:10,337,092, G>C. VCF-style: chr1-10337092-G-C. GRCh37 (hg19) VCF-style: chr1-10397150-G-C.
Other names: c.3148G>C, p.Ala1050Pro (NM_001365952.1); c.3010G>C, p.Ala1004Pro (NM_015074.3); short protein forms A1004P, A1050P.
Identifiers: ClinVar variation 450819 (VCV000450819.2), dbSNP rs77581495, ClinGen allele CA338339605.

ClinVar aggregate classification (germline): Uncertain significance (1 of 4 stars; one submission).

Submission:

GeneDx
Classification: Uncertain significance. Last evaluated: 2017-07-25. Review status: criteria provided, single submitter. Criteria: GeneDx Variant Classification (06012015). Collection method: clinical testing. Allele origin: germline. Affected: yes.
Comment: The A1004P variant in the KIF1B gene has not been reported previously as a pathogenic variant, nor as a benign variant, to our knowledge. This variant is not observed in large population cohorts (Lek et al., 2016; 1000 Genomes Consortium et al., 2015; Exome Variant Server). The A1004P variant is a semi-conservative amino acid substitution, which may impact secondary protein structure as these residues differ in some properties. This substitution occurs at a position where amino acids with similar properties to Alanine are tolerated across species. In silico analysis is inconsistent in its predictions as to whether or not the variant is damaging to the protein structure/function. We interpret A1004P as a variant of uncertain significance.